The following is an entry in ClinVar:

ClinVar aggregate classification (germline): Uncertain significance (1 of 4 stars; one submission).

Conditions:
Long QT syndrome (LQTS). Identifiers: MedGen C0023976, MeSH D008133, MONDO:0002442. Disease mechanism: loss of function. Inheritance: Various modes of inheritance.

Submission:

Labcorp Genetics (formerly Invitae), Labcorp
Classification: Uncertain significance for Long QT syndrome. Last evaluated: 2022-08-09. Review status: criteria provided, single submitter. Criteria: Invitae Variant Classification Sherloc (09022015). Collection method: clinical testing. Allele origin: germline.
Comment: This sequence change falls in intron 49 of the AKAP9 gene. It does not directly change the encoded amino acid sequence of the AKAP9 protein. It affects a nucleotide within the consensus splice site. This variant is not present in population databases (gnomAD no frequency). This variant has not been reported in the literature in individuals affected with AKAP9-related conditions. Variants that disrupt the consensus splice site are a relatively common cause of aberrant splicing (PMID: 17576681, 9536098). Algorithms developed to predict the effect of sequence changes on RNA splicing suggest that this variant is not likely to affect RNA splicing. In summary, the available evidence is currently insufficient to determine the role of this variant in disease. Therefore, it has been classified as a Variant of Uncertain Significance.

Literature cited by the submitters: PubMed 17576681; PubMed 9536098.

NM_005751.5(AKAP9):c.11687-3T>C

Gene: AKAP9 (A-kinase anchoring protein 9; plus strand). Cytogenetic location: 7q21.2.
Variant type: single nucleotide variant.
Coding change: c.11687-3T>C on transcript NM_005751.5 (MANE Select); 3 bases into the intron before coding-DNA position 11687, T replaced by C.
Molecular consequence: intron variant.
Genome position (GRCh38, 1-based): chr7:92,110,119, T>C. VCF-style: chr7-92110119-T-C. GRCh37 (hg19) VCF-style: chr7-91739433-T-C.
Other names: c.11663-3T>C (NM_147185.3); c.6332-3T>C (NM_001379277.1).
Identifiers: ClinVar variation 1913807 (VCV001913807.5), dbSNP rs2535340450, ClinGen allele CA2580077462.